The following is an entry in ClinVar:

ClinVar aggregate classification (germline): Likely benign. Review status: criteria provided, multiple submitters, no conflicts (2 of 4 stars). 2 submissions from 2 submitters: Likely benign (2). Last evaluated 2025-11-01.

Conditions:
MEGF8-related Carpenter syndrome. Also called: Carpenter syndrome 2. Identifiers: Orphanet 65759, MedGen C3554247, MONDO:0013998, OMIM 614976.

Allele frequency attached by ClinVar (database versions not stated): gnomAD exomes 0.00003 and 0.00006; ExAC 0.00007; gnomAD 0.00026; TOPMed 0.00030; ESP Exome Variant Server 0.00031; 1000 Genomes Project 30x 0.00078; 1000 Genomes Project 0.00080.
gnomAD v4.1: 80 of 1,613,028 alleles (0.005%); highest among the groups gnomAD compares: African/African-American, 0.099%; no homozygotes.

Submissions (2):

CeGaT Center for Human Genetics Tuebingen
Classification: Likely benign. Last evaluated: 2025-11-01. Review status: criteria provided, single submitter. Criteria: CeGaT Center For Human Genetics Tuebingen Variant Classification Criteria Version 2. Collection method: clinical testing. Allele origin: germline. Affected: yes. Observed: 1 variant allele.
Comment: MEGF8: BP4, BP7

Labcorp Genetics (formerly Invitae), Labcorp
Classification: Likely benign for MEGF8-related Carpenter syndrome. Last evaluated: 2021-07-27. Review status: criteria provided, single submitter. Criteria: Invitae Variant Classification Sherloc (09022015). Collection method: clinical testing. Allele origin: germline.

NM_001271938.2(MEGF8):c.4041C>T (p.Phe1347=)

Gene: MEGF8 (multiple EGF like domains 8; plus strand). Cytogenetic location: 19q13.2.
Variant type: single nucleotide variant.
Coding change: c.4041C>T on transcript NM_001271938.2 (MANE Select); coding-DNA position 4041, C replaced by T.
Protein change: p.Phe1347=; no amino-acid change (phenylalanine 1347 retained).
Molecular consequence: synonymous variant.
Genome position (GRCh38, 1-based): chr19:42,354,617, C>T. VCF-style: chr19-42354617-C-T. GRCh37 (hg19) VCF-style: chr19-42858769-C-T.
Other names: c.3840C>T, p.Phe1280= (NM_001410.3).
Identifiers: ClinVar variation 1632795 (VCV001632795.14), dbSNP rs148895205, ClinGen allele CA9475158.
Genomic context (GRCh38, chr19:42,354,617, plus strand): 5'-TCTCCTAATCCTCGATTCTGCACCCCTCTAGCTGAGCTACGTCCTGGCGTTTGATGGATT[C>T]CCACGCTTCCTGGACACTGGTGTTGTCCAGTCGGACCGCAGCCTCATAGCTGCCTTCTGC-3'
Protein context (NP_001258867.1, residues 1337-1357): TLSYVLAFDG[Phe1347=]PRFLDTGVVQ